The following is an entry in ClinVar:

NM_001199107.2(TBC1D24):c.119G>T (p.Arg40Leu)

Gene: TBC1D24 (TBC1 domain family member 24; plus strand). Cytogenetic location: 16p13.3.
Variant type: single nucleotide variant.
Coding change: c.119G>T on transcript NM_001199107.2 (MANE Select); coding-DNA position 119, G replaced by T.
Protein change: p.Arg40Leu; replaces arginine 40 with leucine.
Molecular consequence: missense variant.
Genome position (GRCh38, 1-based): chr16:2,496,267, G>T. VCF-style: chr16-2496267-G-T. GRCh37 (hg19) VCF-style: chr16-2546268-G-T.
Other names: c.119G>T, p.Arg40Leu (NM_020705.3); short protein forms R40L.
Identifiers: ClinVar variation 183152 (VCV000183152.9), dbSNP rs760474458, ClinGen allele CA347136.
Genomic context (GRCh38, chr16:2,496,267, plus strand): 5'-AGGACCTGGGGCCCAAGGAGCTGAGCTGCACTGAACTGCAGGAACTGAAGCAGCTGGCGC[G>T]CCAGGGCTACTGGGCCCAAAGCCACGCCCTGCGGGGAAAGGTGTACCAGCGCCTGATCCG-3'
Protein context (NP_001186036.1, residues 30-50): TELQELKQLA[Arg40Leu]QGYWAQSHAL

ClinVar aggregate classification (germline): Pathogenic/Likely pathogenic. Review status: criteria provided, multiple submitters, no conflicts (2 of 4 stars). 4 submissions from 4 submitters: Pathogenic (1); Likely pathogenic (1). 2 of the submissions do not count toward it. Last evaluated 2023-03-20.

Conditions:
Autosomal dominant nonsyndromic hearing loss 65. Also called: TBC1D24-Related Autosomal Dominant Nonsyndromic Hearing Loss (DFNA); Deafness, autosomal dominant 65. Identifiers: Orphanet 90635, MedGen C3892048, MONDO:0014470, OMIM 616044.
Developmental and epileptic encephalopathy, 1 (DEE1). Also called: West's syndrome; Tonic spasms with clustering, arrest of psychomotor development and hypsarrhythmia on EEG; X-Linked Infantile Spasm Syndrome; X-linked infantile spasms; INFANTILE SPASM SYNDROME, X-LINKED 1; Epileptic encephalopathy, early infantile, 1. Identifiers: MedGen C3463992, MONDO:0010632, OMIM 308350. Disease mechanism: loss of function.
DOORS syndrome (DOORS). Also called: DEAFNESS, ONYCHODYSTROPHY, OSTEODYSTROPHY, IMPAIRED INTELLECTUAL DEVELOPMENT, AND SEIZURES SYNDROME; DRC SYNDROME; BRACHYDACTYLY DUE TO ABSENCE OF DISTAL PHALANGES; ERONEN SYNDROME; Digitorenocerebral syndrome; DOOR SYNDROME. Identifiers: Orphanet 3231, Orphanet 79500, MedGen C0795934, MONDO:0009079, OMIM 220500. Disease mechanism: loss of function.

Allele frequency attached by ClinVar (database versions not stated): gnomAD 0.00001.

Submissions (4):

Labcorp Genetics (formerly Invitae), Labcorp
Classification: Likely pathogenic for Developmental and epileptic encephalopathy, 1; Autosomal dominant nonsyndromic hearing loss 65. Last evaluated: 2023-03-20. Review status: criteria provided, single submitter. Criteria: Invitae Variant Classification Sherloc (09022015). Collection method: clinical testing. Allele origin: germline.
Comment: This variant disrupts the p.Arg40 amino acid residue in TBC1D24. Other variant(s) that disrupt this residue have been observed in individuals with TBC1D24-related conditions (PMID: 24291220; Invitae), which suggests that this may be a clinically significant amino acid residue. This sequence change replaces arginine, which is basic and polar, with leucine, which is neutral and non-polar, at codon 40 of the TBC1D24 protein (p.Arg40Leu). This variant is present in population databases (no rsID available, gnomAD 0.0009%). This missense change has been observed in individual(s) with autosomal recessive DOORS syndrome (PMID: 24291220). ClinVar contains an entry for this variant (Variation ID: 183152). Advanced modeling of protein sequence and biophysical properties (such as structural, functional, and spatial information, amino acid conservation, physicochemical variation, residue mobility, and thermodynamic stability) performed at Invitae indicates that this missense variant is expected to disrupt TBC1D24 protein function. Experimental studies are conflicting or provide insufficient evidence to determine the effect of this variant on TBC1D24 function (PMID: 27281533, 30335140). In summary, the currently available evidence indicates that the variant is pathogenic, but additional data are needed to prove that conclusively. Therefore, this variant has been classified as Likely Pathogenic.

Lupski Lab, Baylor-Hopkins CMG, Baylor College of Medicine
Classification: Pathogenic for DOORS syndrome. Last evaluated: 2014-01-01. Review status: criteria provided, single submitter. Criteria: Campeau et al. (Lancet Neurol 2014). Collection method: research. Allele origin: germline. Inheritance: Autosomal recessive inheritance. Affected: yes and no. Observed: 3 variant alleles, 2 heterozygotes, 1 homozygote. Clinical features observed: Bilateral sensorineural hearing impairment (HP:0008619), Seizures (HP:0001250), Intellectual disability (HP:0001249), Abnormality of brain morphology (HP:0012443), Abnormality of the nail (HP:0001597), Triphalangeal thumb (HP:0001199), Abnormality of digit (HP:0011297), Abnormality of the skull (HP:0000929).
Comment: We identified 26 families with DOORS syndrome; each patient had at least 3 of the 5 well-described features of DOORS syndrome, which include deafness, onychodystrophy, osteodystrophy, intellectual disability, and seizures. A combination of whole-exome sequencing and Sanger sequencing identified homozygous or compound heterozygous pathogenic variants in TBC1D24 in 11 individuals from 9 families.

Division of Medical Genetics; Sainte-Justine Hospital
Classification: Pathogenic for DOORS. Last evaluated: 2014-12-22. Review status: no assertion criteria provided. Collection method: literature only. Allele origin: germline. Affected: yes. Not counted in ClinVar's aggregate classification.

GeneReviews
No classification provided. Condition: DOORS syndrome. Review status: no classification provided. Collection method: literature only. Allele origin: germline. Not counted in ClinVar's aggregate classification.

Literature cited by the submitters: PubMed 24291220 (cited by Labcorp Genetics (formerly Invitae), Labcorp); PubMed 27281533 (cited by Labcorp Genetics (formerly Invitae), Labcorp); PubMed 30335140 (cited by Labcorp Genetics (formerly Invitae), Labcorp); PubMed 25169651 (cited by Lupski Lab, Baylor-Hopkins CMG, Baylor College of Medicine); PubMed 25719194 (cited by Lupski Lab, Baylor-Hopkins CMG, Baylor College of Medicine); NCBI Bookshelf NBK274566 (cited by GeneReviews).